The following is an entry in ClinVar:

NM_001130987.2(DYSF):c.2217-2A>G

Gene: DYSF (dysferlin; plus strand). Cytogenetic location: 2p13.2.
Variant type: single nucleotide variant.
Coding change: c.2217-2A>G on transcript NM_001130987.2 (MANE Select); the canonical splice acceptor site of the intron before coding-DNA position 2217, A replaced by G.
Molecular consequence: splice acceptor variant.
Genome position (GRCh38, 1-based): chr2:71,561,750, A>G. VCF-style: chr2-71561750-A-G. GRCh37 (hg19) VCF-style: chr2-71788880-A-G.
Other names: c.2256-2A>G (NM_001130979.2); c.2214-2A>G (NM_001130981.2, NM_001130980.2); c.2163-2A>G (NM_001130978.2, NM_003494.4); c.2121-2A>G (NM_001130977.2, NM_001130976.2); c.2259-2A>G (NM_001130982.2); c.2217-2A>G (NM_001130985.2); c.2166-2A>G (NM_001130983.2, NM_001130455.2); c.2124-2A>G (NM_001130984.2, NM_001130986.2).
Identifiers: ClinVar variation 290309 (VCV000290309.19), dbSNP rs747289205, ClinGen allele CA1706103.

ClinVar aggregate classification (germline): Pathogenic. Review status: reviewed by expert panel (3 of 4 stars). 7 submissions from 7 submitters: Pathogenic (1). 6 of the submissions do not count toward it. Last evaluated 2025-10-07.

Conditions:
Neuromuscular disease caused by qualitative or quantitative defects of dysferlin. Also called: Qualitative or quantitative defects of dysferlin; Dysferlinopathy. Identifiers: Orphanet 207073, MedGen C2931687, MONDO:0016145.
DYSF-related disorder. Also called: DYSF-related condition; DYSF-related disorders.
Autosomal recessive limb-girdle muscular dystrophy type 2B (LGMDR2). Also called: MUSCULAR DYSTROPHY, LIMB-GIRDLE, TYPE 3; MUSCULAR DYSTROPHY, LIMB-GIRDLE, AUTOSOMAL RECESSIVE 2; Limb-Girdle Muscular Dystrophy Type 2B (LGMD2B); Limb-girdle muscular dystrophy, type 2B. Identifiers: Orphanet 268, MedGen C1850889, MONDO:0009676, OMIM 253601.
Autosomal recessive limb-girdle muscular dystrophy. Identifiers: Orphanet 102015, MedGen C2931907, MONDO:0015152.

Allele frequency attached by ClinVar (database versions not stated): gnomAD 0.00001; gnomAD exomes below 0.00001; TOPMed below 0.00001; ExAC 0.00001.
gnomAD v4.1: 3 of 1,614,016 alleles (0.00019%); highest among the groups gnomAD compares: African/African-American, 0.0013%; no homozygotes.

Submissions (7):

ClinGen Limb Girdle Muscular Dystrophy Variant Curation Expert Panel, ClinGen
Classification: Pathogenic for Autosomal recessive limb-girdle muscular dystrophy. Last evaluated: 2025-10-07. Review status: reviewed by expert panel. Criteria: ClinGen LGMD VCEP ACMG Specifications DYSF V1.0.0. Collection method: curation. Allele origin: germline. Inheritance: Autosomal recessive inheritance.
Comment: The NM_003494.4: c.2163-2A>G variant in DYSF, which is also known as NM_001130987.2: c.2217-2A>G, occurs within the canonical splice acceptor site of intron 22. SpliceAI gives a delta score of 0.99 for loss of the canonical acceptor and of 0.79 for gain of a cryptic acceptor 4 bp into the exon. RNAseq analysis showed this variant either results in a 4 bp deletion at the start of exon 23 or skipping of exon 23, both leading to frameshifts (p.Gln722LeufsTer26 and p.Gln722ProfsTer51, respectively), with nonsense mediated decay expected (PMID: 36983702; PVS1_RNA). This variant has been reported in three patients with either dysferlinopathy or suspected LGMD (PMID: 33715265, 33927379, 36983702), including in unknown phase in two individuals with pathogenic variants NM_003494.4: c.5668-7G>A (0.5 pts, PMID: 33927379) and NM_003494.4: c.2875C>T p.(Arg959Trp) (0.5 pts, PMID: 33715265) (PM3). At least one patient with this variant had a second presumed diagnostic variant in DYSF, clinical presentation highly suggestive of dysferlinopathy and absent dysferlin expression in skeletal muscle or blood monocytes, which is highly specific for DYSF-associated LGMD (PP4_Strong). The highest minor allele frequency for this variant is 0.000001799 (2/1112008 exome alleles) in the European (non-Finnish) population in gnomAD v4.1.0, which is less than the VCEP threshold of 0.0001 (PM2_Supporting). In summary, this variant meets the criteria to be classified as Pathogenic for autosomal recessive limb girdle muscular dystrophy based on the ACMG/AMP criteria applied, as specified by the ClinGen LGMD VCEP (LGMD VCEP specifications version 1.0.0; 10/07/2025): PVS1_RNA, PP4_Strong, PM3, PM2_Supporting.

Natera, Inc.
Classification: Pathogenic for Limb-girdle muscular dystrophy type 2B. Last evaluated: 2024-09-26. Review status: criteria provided, single submitter. Criteria: Natera Variant Classification Schema (03/2026). Collection method: clinical testing. Allele origin: germline. Not counted in ClinVar's aggregate classification.
Comment: The c.2163-2A>G variant in DYSF is a canonical splice acceptor site variant predicted to affect pre-mRNA splicing, which may result in an abnormal transcript and altered protein product. This variant is expected to result in nonsense mediated decay, truncation, or a dysfunctional protein product. This variant is rare in the general population with a frequency below the threshold expected for the associated phenotype(s). This variant has been observed in one or more individuals affected with the associated recessive disease, as either homozygous or compound heterozygous with a second variant (PMID: 33715265). Another variant at this same site results in an alteration predicted to cause a similar molecular effect has been observed in individual(s) with the associated phenotype. Given the available evidence, this variant is classified as Pathogenic.

Revvity Omics, Revvity
Classification: Pathogenic. Last evaluated: 2024-02-20. Review status: criteria provided, single submitter. Criteria: ACMG Guidelines, 2015. Collection method: clinical testing. Allele origin: germline. Not counted in ClinVar's aggregate classification.

Labcorp Genetics (formerly Invitae), Labcorp
Classification: Pathogenic for Neuromuscular disease caused by qualitative or quantitative defects of dysferlin. Last evaluated: 2023-12-09. Review status: criteria provided, single submitter. Criteria: Invitae Variant Classification Sherloc (09022015). Collection method: clinical testing. Allele origin: germline. Not counted in ClinVar's aggregate classification.
Comment: This sequence change affects an acceptor splice site in intron 22 of the DYSF gene. It is expected to disrupt RNA splicing. Variants that disrupt the donor or acceptor splice site typically lead to a loss of protein function (PMID: 16199547), and loss-of-function variants in DYSF are known to be pathogenic (PMID: 17698709, 20301480). This variant is present in population databases (rs747289205, gnomAD 0.007%). Disruption of this splice site has been observed in individual(s) with DYSF-related conditions (PMID: 19528035, 33715265). ClinVar contains an entry for this variant (Variation ID: 290309). Algorithms developed to predict the effect of sequence changes on RNA splicing suggest that this variant may disrupt the consensus splice site. For these reasons, this variant has been classified as Pathogenic.

Blueprint Genetics
Classification: Likely pathogenic for DYSF-related disorders. Last evaluated: 2019-09-20. Review status: criteria provided, single submitter. Criteria: ACMG Guidelines, 2015. Collection method: clinical testing. Allele origin: germline. Affected: yes. Observed: 2 variant alleles. Not counted in ClinVar's aggregate classification.

Eurofins Ntd Llc (ga)
Classification: Pathogenic. Last evaluated: 2016-09-18. Review status: criteria provided, single submitter. Criteria: EGL Classification Definitions 2015. Collection method: clinical testing. Allele origin: germline. Observed: 2 variant alleles, 2 heterozygotes. Not counted in ClinVar's aggregate classification.

Counsyl
Classification: Likely pathogenic for Autosomal recessive limb-girdle muscular dystrophy type 2B. Last evaluated: 2017-02-08. Review status: no assertion criteria provided. Collection method: clinical testing. Allele origin: unknown. Not counted in ClinVar's aggregate classification.

Literature cited by the submitters: PubMed 33715265 (cited by Natera, Inc. and Labcorp Genetics (formerly Invitae), Labcorp); PubMed 16199547 (cited by Labcorp Genetics (formerly Invitae), Labcorp); PubMed 17698709 (cited by Labcorp Genetics (formerly Invitae), Labcorp); PubMed 20301480 (cited by Labcorp Genetics (formerly Invitae), Labcorp); PubMed 19528035 (cited by Labcorp Genetics (formerly Invitae), Labcorp); PubMed 27602406 (cited by Counsyl).